The following is an entry in ClinVar:

NM_007078.3(LDB3):c.2175C>T (p.Ile725=)

Gene: LDB3 (LIM domain binding 3; plus strand). Cytogenetic location: 10q23.2.
Variant type: single nucleotide variant.
Coding change: c.2175C>T on transcript NM_007078.3 (MANE Select); coding-DNA position 2175, C replaced by T.
Protein change: p.Ile725=; no amino-acid change (isoleucine 725 retained).
Molecular consequence: synonymous variant.
Genome position (GRCh38, 1-based): chr10:86,732,967, C>T. VCF-style: chr10-86732967-C-T. GRCh37 (hg19) VCF-style: chr10-88492724-C-T.
Other names: c.1845C>T, p.Ile615= (NM_001080114.2); c.2190C>T, p.Ile730= (NM_001171610.2); c.1986C>T, p.Ile662= (NM_001368064.1, NM_001368065.1); c.2034C>T, p.Ile678= (NM_001368066.1).
Identifiers: ClinVar variation 1977007 (VCV001977007.6), dbSNP rs1413752114, ClinGen allele CA470309995.
Genomic context (GRCh38, chr10:86,732,967, plus strand): 5'-GGGGCAGCCGTTCTACTCCAAGAAGGACAGACCCCTGTGCAAGAAGCACGCACACACCAT[C>T]AACTTGTAGGCGGCCAAGGCCGCCTGTGCTGACGAGGCCCGGAGCTGCTCCTGCTGCTGG-3'
Protein context (NP_009009.1, residues 715-727): RPLCKKHAHT[Ile725=]NL

ClinVar aggregate classification (germline): Conflicting classifications of pathogenicity. Review status: criteria provided, conflicting classifications (1 of 4 stars). 2 submissions from 2 submitters: Uncertain significance (1); Likely benign (1). Last evaluated 2023-11-29.

Conditions:
Cardiovascular phenotype. Identifiers: MedGen CN230736.
Myofibrillar myopathy 4. Also called: Zaspopathy (type). Identifiers: Orphanet 98912, MedGen C4721886, MONDO:0012277, OMIM 609452.

Allele frequency attached by ClinVar (database versions not stated): gnomAD exomes below 0.00001; gnomAD 0.00001; TOPMed 0.00002.
gnomAD v4.1: 4 of 1,613,268 alleles (0.00025%); highest among the groups gnomAD compares: Admixed American, 0.0017%; no homozygotes.

Submissions (2):

Ambry Genetics
Classification: Likely benign for Cardiovascular phenotype. Last evaluated: 2023-11-29. Review status: criteria provided, single submitter. Criteria: Ambry Variant Classification Scheme 2023. Collection method: clinical testing. Allele origin: germline.

Labcorp Genetics (formerly Invitae), Labcorp
Classification: Uncertain significance for Myofibrillar myopathy 4. Last evaluated: 2022-04-15. Review status: criteria provided, single submitter. Criteria: Invitae Variant Classification Sherloc (09022015). Collection method: clinical testing. Allele origin: germline.
Comment: This sequence change affects codon 725 of the LDB3 mRNA. It is a 'silent' change, meaning that it does not change the encoded amino acid sequence of the LDB3 protein. In summary, the available evidence is currently insufficient to determine the role of this variant in disease. Therefore, it has been classified as a Variant of Uncertain Significance. This variant has not been reported in the literature in individuals affected with LDB3-related conditions. This variant is not present in population databases (gnomAD no frequency). The LDB3 gene has multiple clinically relevant transcripts. This variant occurs in alternate transcript NM_007078.3, and corresponds to NM_001080116.1:c.*33593C>T in the primary transcript.